The following is an entry in ClinVar:

ClinVar aggregate classification (germline): Pathogenic (1 of 4 stars; one submission).

Conditions:
Microcephalic osteodysplastic primordial dwarfism type II (MOPD2). Also called: Microcephalic osteodysplastic primordial dwarfism with tooth abnormalities; MOPD II; OSTEODYSPLASTIC PRIMORDIAL DWARFISM, TYPE II. Identifiers: Orphanet 2637, MedGen C0432246, MONDO:0008872, OMIM 210720.

gnomAD v4.1: 1 of 1,587,618 alleles (0.000063%); highest among the groups gnomAD compares: Admixed American, 0.0018%; no homozygotes.

Submission:

3billion
Classification: Pathogenic for Microcephalic osteodysplastic primordial dwarfism type II. Last evaluated: 2023-10-23. Review status: criteria provided, single submitter. Criteria: ACMG Guidelines, 2015. Collection method: clinical testing. Allele origin: germline. Affected: yes.
Comment: The variant is not observed in the gnomAD v2.1.1 dataset. Predicted Consequence/Location: Stop-gained (nonsense): predicted to result in a loss or disruption of normal protein function through nonsense-mediated decay (NMD) or protein truncation. Multiple pathogenic variants are reported downstream of the variant. Therefore, this variant is classified as Pathogenic according to the recommendation of ACMG/AMP guideline.

NM_006031.6(PCNT):c.4120C>T (p.Gln1374Ter)

Gene: PCNT (pericentrin; plus strand). Cytogenetic location: 21q22.3.
Variant type: single nucleotide variant.
Coding change: c.4120C>T on transcript NM_006031.6 (MANE Select); coding-DNA position 4120, C replaced by T.
Protein change: p.Gln1374Ter; replaces glutamine 1374 with a stop codon.
Molecular consequence: nonsense.
Genome position (GRCh38, 1-based): chr21:46,391,280, C>T. VCF-style: chr21-46391280-C-T. GRCh37 (hg19) VCF-style: chr21-47811195-C-T.
Other names: c.3766C>T, p.Gln1256Ter (NM_001315529.2); short protein forms Q1256*, Q1374*.
Identifiers: ClinVar variation 3775592 (VCV003775592.1).